The following is an entry in ClinVar:

ClinVar aggregate classification (germline): Likely pathogenic. Review status: criteria provided, single submitter (1 of 4 stars). 2 submissions from 2 submitters: Likely pathogenic (1). 1 of the submissions does not count toward it. Last evaluated 2023-10-20.

Conditions:
Trichohepatoenteric syndrome 1 (THES1). Also called: DIARRHEA, FATAL INFANTILE, WITH TRICHORRHEXIS NODOSA. Identifiers: Orphanet 84064, MedGen C4551982, MONDO:0024541, OMIM 222470.

Allele frequency attached by ClinVar (database versions not stated): gnomAD exomes below 0.00001.
gnomAD v4.1: 1 of 1,613,286 alleles (0.000062%); highest among the groups gnomAD compares: Non-Finnish European, 0.000085%; no homozygotes.

Submissions (2):

Labcorp Genetics (formerly Invitae), Labcorp
Classification: Likely pathogenic. Last evaluated: 2023-10-20. Review status: criteria provided, single submitter. Criteria: Invitae Variant Classification Sherloc (09022015). Collection method: clinical testing. Allele origin: germline.
Comment: This sequence change affects a donor splice site in intron 23 of the TTC37 gene. RNA analysis indicates that disruption of this splice site induces altered splicing and may result in an absent or disrupted protein product. This variant is not present in population databases (gnomAD no frequency). Disruption of this splice site has been observed in individual(s) with trichohepatoenteric syndrome (PMID: 21120949). ClinVar contains an entry for this variant (Variation ID: 31235). Studies have shown that disruption of this splice site results in skipping of exon 23 and introduces a premature termination codon (PMID: 21120949). The resulting mRNA is expected to undergo nonsense-mediated decay. In summary, the currently available evidence indicates that the variant is pathogenic, but additional data are needed to prove that conclusively. Therefore, this variant has been classified as Likely Pathogenic.

OMIM
Classification: Pathogenic for TRICHOHEPATOENTERIC SYNDROME 1. Last evaluated: 2011-03-01. Review status: no assertion criteria provided. Collection method: literature only. Allele origin: germline. Not counted in ClinVar's aggregate classification.

Literature cited by the submitters: PubMed 21120949 (cited by Labcorp Genetics (formerly Invitae), Labcorp and OMIM).

NM_014639.4(SKIC3):c.2515+1G>C

Gene: SKIC3 (SKI3 subunit of superkiller complex; minus strand). Cytogenetic location: 5q15.
Variant type: single nucleotide variant.
Coding change: c.2515+1G>C on transcript NM_014639.4 (MANE Select); the canonical splice donor site of the intron after coding-DNA position 2515, G replaced by C.
Molecular consequence: splice donor variant.
Genome position (GRCh38, 1-based): chr5:95,516,671, C>G on the plus strand (G>C on the coding strand, the complement: SKIC3 is on the minus strand). VCF-style: chr5-95516671-C-G. GRCh37 (hg19) VCF-style: chr5-94852375-C-G.
Other names: IVS23DS, G-C, +1.
Identifiers: ClinVar variation 31235 (VCV000031235.10), dbSNP rs1060499528, ClinGen allele CA16609338.